The following is an entry in ClinVar:

ClinVar aggregate classification (germline): Likely pathogenic. Review status: criteria provided, single submitter (1 of 4 stars). 2 submissions from 2 submitters: Likely pathogenic (1). 1 of the submissions does not count toward it. Last evaluated 2024-10-16.

Conditions:
Treacher Collins syndrome 2 (TCS2). Also called: TREACHER COLLINS SYNDROME 2, AUTOSOMAL RECESSIVE; POLR1D-Related Treacher Collins Syndrome. Identifiers: Orphanet 861, MedGen C3150983, MONDO:0013385, OMIM 613717.

Allele frequency attached by ClinVar (database versions not stated): gnomAD exomes below 0.00001; ExAC 0.00001.
gnomAD v4.1: 1 of 1,614,134 alleles (0.000062%); highest among the groups gnomAD compares: Non-Finnish European, 0.000085%; no homozygotes.

Submissions (2):

Labcorp Genetics (formerly Invitae), Labcorp
Classification: Likely pathogenic. Last evaluated: 2024-10-16. Review status: criteria provided, single submitter. Criteria: Invitae Variant Classification Sherloc (09022015). Collection method: clinical testing. Allele origin: germline.
Comment: This sequence change replaces glutamic acid, which is acidic and polar, with lysine, which is basic and polar, at codon 47 of the POLR1D protein (p.Glu47Lys). This variant is present in population databases (rs767196650, gnomAD 0.0009%). This missense change has been observed in individuals with clinical features of Treacher Collins syndrome (PMID: 21131976, 34397304; internal data). ClinVar contains an entry for this variant (Variation ID: 31050). An algorithm developed to predict the effect of missense changes on protein structure and function (PolyPhen-2) suggests that this variant is likely to be tolerated. In summary, the currently available evidence indicates that the variant is pathogenic, but additional data are needed to prove that conclusively. Therefore, this variant has been classified as Likely Pathogenic.

OMIM
Classification: Pathogenic for TREACHER COLLINS SYNDROME 2. Last evaluated: 2011-01-01. Review status: no assertion criteria provided. Collection method: literature only. Allele origin: germline. Not counted in ClinVar's aggregate classification.

Literature cited by the submitters: PubMed 21131976 (cited by Labcorp Genetics (formerly Invitae), Labcorp and OMIM); PubMed 34397304 (cited by Labcorp Genetics (formerly Invitae), Labcorp).

NM_015972.4(POLR1D):c.139G>A (p.Glu47Lys)

Genes: POLR1D (RNA polymerase I and III subunit D; plus strand), LOC147380392 (uncharacterized LOC147380392; plus strand). Cytogenetic location: 13q12.2.
Variant type: single nucleotide variant.
Coding change: c.139G>A on transcript NM_015972.4 (MANE Select); coding-DNA position 139, G replaced by A.
Protein change: p.Glu47Lys; replaces glutamic acid 47 with lysine.
Molecular consequence: missense variant. On other transcripts: intron variant (2).
Genome position (GRCh38, 1-based): chr13:27,622,987, G>A. VCF-style: chr13-27622987-G-A. GRCh37 (hg19) VCF-style: chr13-28197124-G-A.
Other names: c.-59+1847G>A (NM_001206559.2); c.26+978G>A (NM_152705.3); short protein forms E47K.
Identifiers: ClinVar variation 31050 (VCV000031050.6), dbSNP rs767196650, ClinGen allele CA6927259.
Genomic context (GRCh38, chr13:27,622,987, plus strand): 5'-CTGGAAATGGTCCAGGCAGCTGGAACAGATAGACACTGTGTGACATTTGTATTGCACGAG[G>A]AAGACCATACCCTAGGAAATTCTCTACGTTACATGATCATGAAGAACCCGGAAGTGGAAT-3'
Protein context (NP_057056.1, residues 37-57): RHCVTFVLHE[Glu47Lys]DHTLGNSLRY